The following is an entry in ClinVar:

NM_012210.4(TRIM32):c.1786C>G (p.Arg596Gly)

Genes: ASTN2 (astrotactin 2; minus strand), TRIM32 (tripartite motif containing 32; plus strand). Cytogenetic location: 9q33.1.
Variant type: single nucleotide variant.
Coding change: c.1786C>G on transcript NM_012210.4 (MANE Select); coding-DNA position 1786, C replaced by G.
Protein change: p.Arg596Gly; replaces arginine 596 with glycine.
Molecular consequence: missense variant. On other transcripts: intron variant (3).
Genome position (GRCh38, 1-based): chr9:116,699,528, C>G. VCF-style: chr9-116699528-C-G. GRCh37 (hg19) VCF-style: chr9-119461807-C-G.
Other names: c.1786C>G, p.Arg596Gly (NM_001099679.2, NM_001379048.1, NM_001379049.1 and 1 more transcripts); c.2653+26243G>C (NM_014010.5); c.2794+26243G>C (NM_001365069.1); c.2806+26243G>C (NM_001365068.1); short protein forms R596G.
Identifiers: ClinVar variation 452410 (VCV000452410.6), dbSNP rs765348678, ClinGen allele CA5211210.

ClinVar aggregate classification (germline): Conflicting classifications of pathogenicity. Review status: criteria provided, conflicting classifications (1 of 4 stars). 4 submissions from 4 submitters: Likely pathogenic (1); Uncertain significance (3). Last evaluated 2026-02-24.

Conditions:
TRIM32-related disorder. Also called: TRIM32-related condition.
Bardet-Biedl syndrome (BBS). Identifiers: Orphanet 110, MedGen C0752166, MONDO:0015229.

Allele frequency attached by ClinVar (database versions not stated): ExAC 0.00001.
gnomAD v4.1: 3 of 1,614,020 alleles (0.00019%); highest among the groups gnomAD compares: Non-Finnish European, 0.00025%; no homozygotes.

Submissions (4):

PreventionGenetics, part of Exact Sciences
Classification: Uncertain significance for TRIM32-related condition. Last evaluated: 2026-02-24. Review status: criteria provided, single submitter. Criteria: ACMG Guidelines, 2015. Collection method: clinical testing. Allele origin: germline.
Comment: The TRIM32 c.1786C>G variant is predicted to result in the amino acid substitution p.Arg596Gly. This variant was reported in the homozygous state in an individual who presented with limb-girdle muscular dystrophy (Wei et al. 2021. PubMed ID: 33485293). This variant was also reported in a large cohort of individuals with limb-girdle weakness (Table S4, Töpf et al. 2020. PubMed ID: 32528171). This variant is reported in 0.00088% of alleles in individuals of European (Non-Finnish) descent in gnomAD. At this time, the clinical significance of this variant is uncertain due to the absence of conclusive functional and genetic evidence.

Blueprint Genetics
Classification: Likely pathogenic for TRIM32-related disorders. Last evaluated: 2022-07-06. Review status: criteria provided, single submitter. Criteria: ACMG Guidelines, 2015. Collection method: clinical testing. Allele origin: germline. Affected: yes. Observed: 3 variant alleles.

Labcorp Genetics (formerly Invitae), Labcorp
Classification: Uncertain significance for Bardet-Biedl syndrome. Last evaluated: 2022-01-03. Review status: criteria provided, single submitter. Criteria: Invitae Variant Classification Sherloc (09022015). Collection method: clinical testing. Allele origin: germline.
Comment: This sequence change replaces arginine, which is basic and polar, with glycine, which is neutral and non-polar, at codon 596 of the TRIM32 protein (p.Arg596Gly). This variant is present in population databases (rs765348678, gnomAD 0.0009%). This missense change has been observed in individual(s) with unexplained limb-girdle weakness (PMID: 32528171). ClinVar contains an entry for this variant (Variation ID: 452410). Algorithms developed to predict the effect of missense changes on protein structure and function (SIFT, PolyPhen-2, Align-GVGD) all suggest that this variant is likely to be disruptive. In summary, the available evidence is currently insufficient to determine the role of this variant in disease. Therefore, it has been classified as a Variant of Uncertain Significance.

GeneDx
Classification: Uncertain significance. Last evaluated: 2018-09-26. Review status: criteria provided, single submitter. Criteria: GeneDx Variant Classification (06012015). Collection method: clinical testing. Allele origin: germline. Affected: yes.
Comment: The R596G variant has not been published as a pathogenic variant, nor has it been reported as a benign variant to our knowledge. The R596G variant is not observed at a significant frequency in large population cohorts (Lek et al., 2016). This variant is a non-conservative amino acid substitution, which is likely to impact secondary protein structure as these residues differ in polarity, charge, size and/or other properties. This substitution occurs at a position that is conserved across species, and in silico analysis predicts this variant is probably damaging to the protein structure/function. However, missense variants in nearby residues have not been reported in the Human Gene Mutation Database in association with TRIM32-related disorders (Stenson et al., 2014).

Literature cited by the submitters: PubMed 32528171 (cited by Labcorp Genetics (formerly Invitae), Labcorp).